The following is an entry in ClinVar:

NM_004036.5(ADCY3):c.1631C>T (p.Thr544Met)

Gene: ADCY3 (adenylate cyclase 3; minus strand). Cytogenetic location: 2p23.3.
Variant type: single nucleotide variant.
Coding change: c.1631C>T on transcript NM_004036.5 (MANE Select); coding-DNA position 1631, C replaced by T.
Protein change: p.Thr544Met; replaces threonine 544 with methionine.
Molecular consequence: missense variant.
Genome position (GRCh38, 1-based): chr2:24,836,948, G>A on the plus strand (C>T on the coding strand, the complement: ADCY3 is on the minus strand). VCF-style: chr2-24836948-G-A. GRCh37 (hg19) VCF-style: chr2-25059817-G-A.
Other names: c.1631C>T, p.Thr544Met (NM_001320613.2, NM_001377129.1, NM_001377130.1 and 1 more transcripts); c.1697C>T, p.Thr566Met (NM_001377128.1); c.908C>T, p.Thr303Met (NM_001377131.1); c.1631C>T (NM_004036.3); short protein forms T303M, T544M, T566M.
Identifiers: ClinVar variation 2628758 (VCV002628758.4), dbSNP rs200642280, ClinGen allele CA1554066.

ClinVar aggregate classification (germline): Likely benign. Review status: criteria provided, single submitter (1 of 4 stars). 2 submissions from 2 submitters: Likely benign (1). 1 of the submissions does not count toward it. Last evaluated 2021-08-02.

Conditions:
ADCY3-related disorder. Also called: ADCY3-related condition.
Inborn genetic diseases. Identifiers: MedGen C0950123, MeSH D030342.

Allele frequency attached by ClinVar (database versions not stated): ExAC 0.00006; gnomAD 0.00013; TOPMed 0.00014; ESP Exome Variant Server 0.00015.
gnomAD v4.1: 365 of 1,613,598 alleles (0.023%); highest among the groups gnomAD compares: Non-Finnish European, 0.03%; no homozygotes.

Submissions (2):

Ambry Genetics
Classification: Likely benign for Inborn genetic diseases. Last evaluated: 2021-08-02. Review status: criteria provided, single submitter. Criteria: Ambry Variant Classification Scheme 2023. Collection method: clinical testing. Allele origin: germline.

PreventionGenetics, part of Exact Sciences
Classification: Uncertain significance for ADCY3-related condition. Last evaluated: 2024-08-09. Review status: no assertion criteria provided. Collection method: clinical testing. Allele origin: germline. Not counted in ClinVar's aggregate classification.
Comment: The ADCY3 c.1631C>T variant is predicted to result in the amino acid substitution p.Thr544Met. To our knowledge, this variant has not been reported in the literature. This variant is reported in 0.020% of alleles in individuals of European (Non-Finnish) descent in gnomAD. At this time, the clinical significance of this variant is uncertain due to the absence of conclusive functional and genetic evidence.